The following is an entry in ClinVar:

NM_001252024.2(TRPM1):c.4045dup (p.Ser1349fs)

Gene: TRPM1 (transient receptor potential cation channel subfamily M member 1; minus strand). Cytogenetic location: 15q13.3.
Variant type: Duplication.
Coding change: c.4045dup on transcript NM_001252024.2 (MANE Select); coding-DNA position 4045, one base duplicated (T; older notation c.4045dupT).
Protein change: p.Ser1349fs; shifts the reading frame from serine 1349.
Molecular consequence: frameshift variant.
Genome position (GRCh38, 1-based): chr15:31,002,655, A duplicated on the plus strand (T on the coding strand, the reverse complement: TRPM1 is on the minus strand); the first of 3 consecutive A bases (chr15:31,002,655-31,002,657); duplicating any one gives the same sequence. VCF-style (leftmost placement, unchanged base first): chr15-31002654-G-GA. GRCh37 (hg19) VCF-style: chr15-31294857-G-GA.
Other names: c.4096dup, p.Ser1366fs (NM_001252020.2); c.3979dup, p.Ser1327fs (NM_002420.6); short protein forms S1349fs, S1327fs, S1366fs.
Identifiers: ClinVar variation 1486231 (VCV001486231.6), dbSNP rs760769421, ClinGen allele CA7451708.
Genomic context (GRCh38, chr15:31,002,654, plus strand): 5'-TTTAAGTCATCTACTGCAAGGTGACTGCCATCTGGGGTTGCTGATGTGCTTGTGCCCAGT[G>GA]AAAGGTGAAGACTGTTCTGACATTCTGGGACTAGGTGCGTTTTCACGTCCTTCTCTTCCT-3'

ClinVar aggregate classification (germline): Uncertain significance (1 of 4 stars; one submission).

Submission:

Labcorp Genetics (formerly Invitae), Labcorp
Classification: Uncertain significance. Last evaluated: 2022-10-04. Review status: criteria provided, single submitter. Criteria: Invitae Variant Classification Sherloc (09022015). Collection method: clinical testing. Allele origin: germline.
Comment: ClinVar contains an entry for this variant (Variation ID: 1486231). Experimental studies and prediction algorithms are not available or were not evaluated, and the functional significance of this variant is currently unknown. In summary, the available evidence is currently insufficient to determine the role of this variant in disease. Therefore, it has been classified as a Variant of Uncertain Significance. This variant has not been reported in the literature in individuals affected with TRPM1-related conditions. This sequence change creates a premature translational stop signal (p.Ser1327Phefs*19) in the TRPM1 gene. While this is not anticipated to result in nonsense mediated decay, it is expected to disrupt the last 277 amino acid(s) of the TRPM1 protein. This variant is present in population databases (rs760769421, gnomAD 0.002%).